The following is an entry in ClinVar:

ClinVar aggregate classification (germline): Conflicting classifications of pathogenicity. Review status: criteria provided, conflicting classifications (1 of 4 stars). 2 submissions from 2 submitters: Uncertain significance (1); Likely benign (1). Last evaluated 2024-02-19.

Conditions:
Hereditary cancer-predisposing syndrome. Also called: Neoplastic Syndromes, Hereditary; Tumor predisposition; Hereditary Cancer Syndrome; Hereditary neoplastic syndrome. Identifiers: Orphanet 140162, MedGen C0027672, MeSH D009386, MONDO:0015356.

Submissions (2):

Labcorp Genetics (formerly Invitae), Labcorp
Classification: Likely benign. Last evaluated: 2024-02-19. Review status: criteria provided, single submitter. Criteria: Invitae Variant Classification Sherloc (09022015). Collection method: clinical testing. Allele origin: germline.

Ambry Genetics
Classification: Uncertain significance for Hereditary cancer-predisposing syndrome. Last evaluated: 2022-04-20. Review status: criteria provided, single submitter. Criteria: Ambry Variant Classification Scheme 2023. Collection method: clinical testing. Allele origin: germline.
Comment: The c.859-4G>A intronic variant results from a G to A substitution 4 nucleotides upstream from coding exon 6 in the CTNNA1 gene. This nucleotide position is not well conserved in available vertebrate species. In silico splice site analysis predicts that this alteration will not have any significant effect on splicing. The evidence for this gene-disease relationship is limited; therefore, the clinical significance of this alteration is unclear.

NM_001903.5(CTNNA1):c.859-4G>A

Gene: CTNNA1 (catenin alpha 1; plus strand). Cytogenetic location: 5q31.2.
Variant type: single nucleotide variant.
Coding change: c.859-4G>A on transcript NM_001903.5 (MANE Select); 4 bases into the intron before coding-DNA position 859, G replaced by A.
Molecular consequence: intron variant.
Genome position (GRCh38, 1-based): chr5:138,827,511, G>A. VCF-style: chr5-138827511-G-A. GRCh37 (hg19) VCF-style: chr5-138163200-G-A.
Other names: c.859-4G>A (NM_001323982.2, NM_001323984.2, NM_001290307.3 and 3 more transcripts); c.490-4G>A (NM_001290310.3); c.550-4G>A (NM_001290309.3).
Identifiers: ClinVar variation 1763958 (VCV001763958.4), dbSNP rs2532445726, ClinGen allele CA2578420779.
Genomic context (GRCh38, chr5:138,827,511, plus strand): 5'-TCTCACCTTGAATAAAGAAGGGAACAGAGATGAGTACTAACATTCGGTAATACTTTCTCT[G>A]CAGAAACAAATCATTGTGGACCCCTTGAGCTTCAGCGAGGAGCGCTTTAGGCCTTCCCTG-3'